The following is an entry in ClinVar:

ClinVar aggregate classification (germline): Uncertain significance (1 of 4 stars; one submission).

Allele frequency attached by ClinVar (database versions not stated): gnomAD 0.00001; TOPMed 0.00001.
gnomAD v4.1: 41 of 1,614,128 alleles (0.0025%); highest among the groups gnomAD compares: Admixed American, 0.0033%; no homozygotes.

Submission:

Labcorp Genetics (formerly Invitae), Labcorp
Classification: Uncertain significance. Last evaluated: 2025-10-08. Review status: criteria provided, single submitter. Criteria: Invitae Variant Classification Sherloc (09022015). Collection method: clinical testing. Allele origin: germline.
Comment: This sequence change replaces histidine, which is basic and polar, with glutamine, which is neutral and polar, at codon 288 of the NLRP1 protein (p.His288Gln). This variant is present in population databases (rs532511732, gnomAD 0.006%). This variant has not been reported in the literature in individuals affected with NLRP1-related conditions. ClinVar contains an entry for this variant (Variation ID: 1909067). An algorithm developed to predict the effect of missense changes on protein structure and function outputs the following: PolyPhen-2: "Benign". The glutamine amino acid residue is found in multiple mammalian species, which suggests that this missense change does not adversely affect protein function. In summary, the available evidence is currently insufficient to determine the role of this variant in disease. Therefore, it has been classified as a Variant of Uncertain Significance.

NM_033004.4(NLRP1):c.864C>G (p.His288Gln)

Gene: NLRP1 (NLR family pyrin domain containing 1; minus strand). Cytogenetic location: 17p13.2.
Variant type: single nucleotide variant.
Coding change: c.864C>G on transcript NM_033004.4 (MANE Select); coding-DNA position 864, C replaced by G.
Protein change: p.His288Gln; replaces histidine 288 with glutamine.
Molecular consequence: missense variant.
Genome position (GRCh38, 1-based): chr17:5,559,832, G>C on the plus strand (C>G on the coding strand, the complement: NLRP1 is on the minus strand). VCF-style: chr17-5559832-G-C. GRCh37 (hg19) VCF-style: chr17-5463152-G-C.
Other names: c.864C>G, p.His288Gln (NM_001033053.3, NM_014922.5, NM_033006.4 and 1 more transcripts); short protein forms H288Q.
Identifiers: ClinVar variation 1909067 (VCV001909067.5), dbSNP rs532511732, ClinGen allele CA8327474.